The following is an entry in ClinVar:

ClinVar aggregate classification (germline): Conflicting classifications of pathogenicity. Review status: criteria provided, conflicting classifications (1 of 4 stars). 4 submissions from 4 submitters: Uncertain significance (2); Likely benign (2). Last evaluated 2025-10-27.

Conditions:
Hereditary breast ovarian cancer syndrome. Also called: Hereditary breast and ovarian cancer syndrome (HBOC); Hereditary breast and ovarian cancer; BRCA1- and BRCA2-Associated Hereditary Breast and Ovarian Cancer; Hereditary breast and ovarian cancer syndrome; Breast and ovarian cancer; Hereditary breast and/or ovarian cancer syndrome. Identifiers: Orphanet 145, MedGen C0677776, MeSH D061325, MONDO:0003582. Disease mechanism: loss of function.
Hereditary cancer-predisposing syndrome. Also called: Neoplastic Syndromes, Hereditary; Tumor predisposition; Hereditary Cancer Syndrome; Hereditary neoplastic syndrome. Identifiers: Orphanet 140162, MedGen C0027672, MeSH D009386, MONDO:0015356.
Familial cancer of breast. Also called: BREAST CANCER, FAMILIAL; hereditary breast carcinoma; Hereditary breast cancer. Identifiers: Orphanet 227535, MedGen C0346153, MONDO:0016419, OMIM 114480. Disease mechanism: loss of function.

Submissions (4):

Labcorp Genetics (formerly Invitae), Labcorp
Classification: Uncertain significance for Hereditary breast ovarian cancer syndrome. Last evaluated: 2025-10-27. Review status: criteria provided, single submitter. Criteria: Invitae Variant Classification Sherloc (09022015). Collection method: clinical testing. Allele origin: germline.
Comment: This sequence change replaces histidine, which is basic and polar, with tyrosine, which is neutral and polar, at codon 2248 of the BRCA2 protein (p.His2248Tyr). This variant is not present in population databases (gnomAD no frequency). This variant has not been reported in the literature in individuals affected with BRCA2-related conditions. ClinVar contains an entry for this variant (Variation ID: 1755196). Invitae Evidence Modeling of protein sequence and biophysical properties (such as structural, functional, and spatial information, amino acid conservation, physicochemical variation, residue mobility, and thermodynamic stability) indicates that this missense variant is not expected to disrupt BRCA2 protein function with a negative predictive value of 95%. In summary, the available evidence is currently insufficient to determine the role of this variant in disease. Therefore, it has been classified as a Variant of Uncertain Significance.

MGZ Medical Genetics Center
Classification: Likely benign for Familial cancer of breast. Last evaluated: 2024-02-09. Review status: criteria provided, single submitter. Criteria: CSpec BRCA1/2ACMG Rules Specifications V1.1.0. Collection method: clinical testing. Allele origin: germline. Affected: yes.
Comment: ACMG codes applied following ENIGMA VCEP rules: BP1_STR, PM2_SUP

University of Washington Department of Laboratory Medicine, University of Washington
Classification: Likely benign for Hereditary cancer-predisposing syndrome. Last evaluated: 2023-03-23. Review status: criteria provided, single submitter. Criteria: Dines et al. (Genet Med. 2020). Collection method: curation. Allele origin: germline.
Comment: Missense variant in a coldspot region where missense variants are very unlikely to be pathogenic (PMID:31911673).

BRCA2 exon 11 coldspot. Reclassification based on statistical prior probability.

Ambry Genetics
Classification: Uncertain significance for Hereditary cancer-predisposing syndrome. Last evaluated: 2022-08-11. Review status: criteria provided, single submitter. Criteria: Ambry Variant Classification Scheme 2023. Collection method: clinical testing. Allele origin: germline.
Comment: The p.H2248Y variant (also known as c.6742C>T), located in coding exon 10 of the BRCA2 gene, results from a C to T substitution at nucleotide position 6742. The histidine at codon 2248 is replaced by tyrosine, an amino acid with similar properties. This amino acid position is conserved. In addition, the in silico prediction for this alteration is inconclusive. Since supporting evidence is limited at this time, the clinical significance of this alteration remains unclear.

NM_000059.4(BRCA2):c.6742C>T (p.His2248Tyr)

Gene: BRCA2 (BRCA2 DNA repair associated; plus strand). Cytogenetic location: 13q13.1.
Variant type: single nucleotide variant.
Coding change: c.6742C>T on transcript NM_000059.4 (MANE Select); coding-DNA position 6742, C replaced by T.
Protein change: p.His2248Tyr; replaces histidine 2248 with tyrosine.
Molecular consequence: missense variant.
Genome position (GRCh38, 1-based): chr13:32,341,097, C>T. VCF-style: chr13-32341097-C-T. GRCh37 (hg19) VCF-style: chr13-32915234-C-T.
Other names: c.6742C>T, p.His2248Tyr (NM_001406719.1, NM_001406720.1); short protein forms H2248Y.
Identifiers: ClinVar variation 1755196 (VCV001755196.8), dbSNP rs1350512388, ClinGen allele CA387791111.